The following is an entry in ClinVar:

NM_000484.4(APP):c.1034-6C>G

Gene: APP (amyloid beta precursor protein; minus strand). Cytogenetic location: 21q21.3.
Variant type: single nucleotide variant.
Coding change: c.1034-6C>G on transcript NM_000484.4 (MANE Select); 6 bases into the intron before coding-DNA position 1034, C replaced by G.
Molecular consequence: intron variant.
Genome position (GRCh38, 1-based): chr21:25,997,422, G>C on the plus strand (C>G on the coding strand, the complement: APP is on the minus strand). VCF-style: chr21-25997422-G-C. GRCh37 (hg19) VCF-style: chr21-27369737-G-C.
Other names: c.761-14945C>G (NM_001136131.3); c.698-14945C>G (NM_001136129.3); c.866-6C>G (NM_001136130.3, NM_001385253.1); c.866-14945C>G (NM_001204303.2, NM_201414.3); c.1033+2593C>G (NM_001204302.2, NM_201413.3); c.1034-6C>G (NM_001204301.2); c.1018+2593C>G (NM_001136016.3).
Identifiers: ClinVar variation 1005544 (VCV001005544.9), dbSNP rs767889396, ClinGen allele CA9987446.

ClinVar aggregate classification (germline): Uncertain significance (1 of 4 stars; one submission).

Conditions:
Alzheimer disease. Also called: Alzheimer's disease; Presenile and senile dementia. Identifiers: Orphanet 1020, MedGen C0002395, MeSH D000544, MONDO:0004975, HP:0002511.

Allele frequency attached by ClinVar (database versions not stated): ExAC 0.00001; gnomAD 0.00001; gnomAD exomes 0.00001 and 0.00002; TOPMed 0.00002.
gnomAD v4.1: 12 of 1,609,630 alleles (0.00075%); highest among the groups gnomAD compares: Non-Finnish European, 0.00077%; no homozygotes.

Submission:

Labcorp Genetics (formerly Invitae), Labcorp
Classification: Uncertain significance for Alzheimer disease. Last evaluated: 2024-06-28. Review status: criteria provided, single submitter. Criteria: Invitae Variant Classification Sherloc (09022015). Collection method: clinical testing. Allele origin: germline.
Comment: This sequence change falls in intron 7 of the APP gene. It does not directly change the encoded amino acid sequence of the APP protein. This variant is present in population databases (rs767889396, gnomAD 0.004%). This variant has not been reported in the literature in individuals affected with APP-related conditions. ClinVar contains an entry for this variant (Variation ID: 1005544). Algorithms developed to predict the effect of sequence changes on RNA splicing suggest that this variant may disrupt the consensus splice site. In summary, the available evidence is currently insufficient to determine the role of this variant in disease. Therefore, it has been classified as a Variant of Uncertain Significance.